The following is an entry in ClinVar:

ClinVar aggregate classification (germline): Uncertain significance (1 of 4 stars; one submission).

Conditions:
Pyridoxine-dependent epilepsy (EPEO4). Also called: EPILEPSY, EARLY-ONSET, 4, VITAMIN B6-DEPENDENT; PYRIDOXINE DEPENDENCY WITH SEIZURES; Pyridoxine-Dependent Seizures; Pyridoxine-Dependent Epilepsy - ALDH7A1. Identifiers: Orphanet 3006, MedGen C1849508, MONDO:0009945, OMIM 266100. Disease mechanism: loss of function.

Submission:

Labcorp Genetics (formerly Invitae), Labcorp
Classification: Uncertain significance for Pyridoxine-dependent epilepsy. Last evaluated: 2024-10-22. Review status: criteria provided, single submitter. Criteria: Invitae Variant Classification Sherloc (09022015). Collection method: clinical testing. Allele origin: germline.
Comment: This sequence change replaces alanine, which is neutral and non-polar, with threonine, which is neutral and polar, at codon 229 of the ALDH7A1 protein (p.Ala229Thr). This variant is not present in population databases (gnomAD no frequency). This variant has not been reported in the literature in individuals affected with ALDH7A1-related conditions. ClinVar contains an entry for this variant (Variation ID: 1717206). Invitae Evidence Modeling of protein sequence and biophysical properties (such as structural, functional, and spatial information, amino acid conservation, physicochemical variation, residue mobility, and thermodynamic stability) indicates that this missense variant is expected to disrupt ALDH7A1 protein function with a positive predictive value of 95%. In summary, the available evidence is currently insufficient to determine the role of this variant in disease. Therefore, it has been classified as a Variant of Uncertain Significance.

NM_001182.5(ALDH7A1):c.685G>A (p.Ala229Thr)

Gene: ALDH7A1 (aldehyde dehydrogenase 7 family member A1; minus strand). Cytogenetic location: 5q23.2.
Variant type: single nucleotide variant.
Coding change: c.685G>A on transcript NM_001182.5 (MANE Select); coding-DNA position 685, G replaced by A.
Protein change: p.Ala229Thr; replaces alanine 229 with threonine.
Molecular consequence: missense variant.
Genome position (GRCh38, 1-based): chr5:126,575,430, C>T on the plus strand (G>A on the coding strand, the complement: ALDH7A1 is on the minus strand). VCF-style: chr5-126575430-C-T. GRCh37 (hg19) VCF-style: chr5-125911122-C-T.
Other names: c.601G>A, p.Ala201Thr (NM_001201377.2); c.685G>A, p.Ala229Thr (NM_001202404.2); short protein forms A201T, A229T.
Identifiers: ClinVar variation 1717206 (VCV001717206.5), dbSNP rs2480317191, ClinGen allele CA360730378.